The following is an entry in ClinVar:

NM_024675.4(PALB2):c.2835-5C>T

Gene: PALB2 (partner and localizer of BRCA2; minus strand). Cytogenetic location: 16p12.2.
Variant type: single nucleotide variant.
Coding change: c.2835-5C>T on transcript NM_024675.4 (MANE Select); 5 bases into the intron before coding-DNA position 2835, C replaced by T.
Molecular consequence: intron variant.
Genome position (GRCh38, 1-based): chr16:23,623,135, G>A on the plus strand (C>T on the coding strand, the complement: PALB2 is on the minus strand). VCF-style: chr16-23623135-G-A. GRCh37 (hg19) VCF-style: chr16-23634456-G-A.
Identifiers: ClinVar variation 484173 (VCV000484173.15), dbSNP rs1555459605, ClinGen allele CA658658400.

ClinVar aggregate classification (germline): Likely benign. Review status: criteria provided, multiple submitters, no conflicts (2 of 4 stars). 3 submissions from 3 submitters: Likely benign (3). Last evaluated 2025-01-17.

Conditions:
Hereditary cancer-predisposing syndrome. Also called: Neoplastic Syndromes, Hereditary; Tumor predisposition; Hereditary Cancer Syndrome; Hereditary neoplastic syndrome. Identifiers: Orphanet 140162, MedGen C0027672, MeSH D009386, MONDO:0015356.
Familial cancer of breast. Also called: BREAST CANCER, FAMILIAL; Hereditary breast cancer; hereditary breast carcinoma. Identifiers: Orphanet 227535, MedGen C0346153, MONDO:0016419, OMIM 114480. Disease mechanism: loss of function.

Submissions (3):

Myriad Genetics, Inc.
Classification: Likely benign for Familial cancer of breast. Last evaluated: 2025-01-17. Review status: criteria provided, single submitter. Criteria: Myriad Autosomal Dominant, Autosomal Recessive and X-Linked Classification Criteria (2023). Collection method: clinical testing. Allele origin: unknown.
Comment: This variant is considered likely benign. This variant is intronic and is not expected to impact mRNA splicing.

Labcorp Genetics (formerly Invitae), Labcorp
Classification: Likely benign for Familial cancer of breast. Last evaluated: 2024-06-18. Review status: criteria provided, single submitter. Criteria: Invitae Variant Classification Sherloc (09022015). Collection method: clinical testing. Allele origin: germline.

Ambry Genetics
Classification: Likely benign for Hereditary cancer-predisposing syndrome. Last evaluated: 2020-04-15. Review status: criteria provided, single submitter. Criteria: Ambry Variant Classification Scheme 2023. Collection method: clinical testing. Allele origin: germline.